The following is an entry in ClinVar:

ClinVar aggregate classification (germline): Likely pathogenic (1 of 4 stars; one submission).

Conditions:
Epilepsy, familial focal, with variable foci 3 (FFEVF3). Identifiers: MedGen C4310708, MONDO:0014925, OMIM 617118.

Allele frequency attached by ClinVar (database versions not stated): gnomAD exomes below 0.00001; TOPMed below 0.00001.
gnomAD v4.1: 1 of 1,553,666 alleles (0.000064%); highest among the groups gnomAD compares: Non-Finnish European, 0.000087%; no homozygotes.

Submission:

Labcorp Genetics (formerly Invitae), Labcorp
Classification: Likely pathogenic for Epilepsy, familial focal, with variable foci 3. Last evaluated: 2023-10-03. Review status: criteria provided, single submitter. Criteria: Invitae Variant Classification Sherloc (09022015). Collection method: clinical testing. Allele origin: germline.
Comment: This sequence change affects an acceptor splice site in intron 2 of the NPRL3 gene. It is expected to disrupt RNA splicing. Variants that disrupt the donor or acceptor splice site typically lead to a loss of protein function (PMID: 16199547), and loss-of-function variants in NPRL3 are known to be pathogenic (PMID: 26285051, 26505888). This variant is not present in population databases (gnomAD no frequency). This variant has not been reported in the literature in individuals affected with NPRL3-related conditions. ClinVar contains an entry for this variant (Variation ID: 1491290). Algorithms developed to predict the effect of sequence changes on RNA splicing suggest that this variant may disrupt the consensus splice site. In summary, the currently available evidence indicates that the variant is pathogenic, but additional data are needed to prove that conclusively. Therefore, this variant has been classified as Likely Pathogenic.

Literature cited by the submitters: PubMed 16199547; PubMed 26285051; PubMed 26505888.

NM_001077350.3(NPRL3):c.119-2A>G

Genes: HBA-LCR (alpha-globin locus control region; plus strand), NPRL3 (NPR3 like, GATOR1 complex subunit; minus strand). Cytogenetic location: 16p13.3.
Variant type: single nucleotide variant.
Coding change: c.119-2A>G on transcript NM_001077350.3 (MANE Select); the canonical splice acceptor site of the intron before coding-DNA position 119, A replaced by G.
Molecular consequence: splice acceptor variant.
Genome position (GRCh38, 1-based): chr16:130,593, T>C on the plus strand (A>G on the coding strand, the complement: NPRL3 is on the minus strand). VCF-style: chr16-130593-T-C. GRCh37 (hg19) VCF-style: chr16-180592-T-C.
Other names: c.119-2A>G (NM_001243248.2, NM_001243249.2); c.-214-2A>G (NM_001039476.3); c.-253-2A>G (NM_001243247.2).
Identifiers: ClinVar variation 1491290 (VCV001491290.6), dbSNP rs1361784389, ClinGen allele CA393997970.